The following is an entry in ClinVar:

ClinVar aggregate classification (germline): Uncertain significance (1 of 4 stars; one submission).

Conditions:
Propionic acidemia (PROP). Also called: GLYCINEMIA, KETOTIC; HYPERGLYCINEMIA WITH KETOACIDOSIS AND LEUKOPENIA; KETOTIC HYPERGLYCINEMIA. Identifiers: Orphanet 35, MedGen C0268579, MONDO:0011628, OMIM 606054, HP:0003571.

gnomAD v4.1: 2 of 1,613,498 alleles (0.00012%); highest among the groups gnomAD compares: South Asian, 0.0011%; no homozygotes.

Submission:

Labcorp Genetics (formerly Invitae), Labcorp
Classification: Uncertain significance for Propionic acidemia. Last evaluated: 2025-01-16. Review status: criteria provided, single submitter. Criteria: Invitae Variant Classification Sherloc (09022015). Collection method: clinical testing. Allele origin: germline.
Comment: This sequence change replaces lysine, which is basic and polar, with arginine, which is basic and polar, at codon 181 of the PCCA protein (p.Lys181Arg). This variant is present in population databases (no rsID available, gnomAD 0.003%). This variant has not been reported in the literature in individuals affected with PCCA-related conditions. Invitae Evidence Modeling of protein sequence and biophysical properties (such as structural, functional, and spatial information, amino acid conservation, physicochemical variation, residue mobility, and thermodynamic stability) has been performed for this missense variant. However, the output from this modeling did not meet the statistical confidence thresholds required to predict the impact of this variant on PCCA protein function. In summary, the available evidence is currently insufficient to determine the role of this variant in disease. Therefore, it has been classified as a Variant of Uncertain Significance.

NM_000282.4(PCCA):c.542A>G (p.Lys181Arg)

Gene: PCCA (propionyl-CoA carboxylase subunit alpha; plus strand). Cytogenetic location: 13q32.3.
Variant type: single nucleotide variant.
Coding change: c.542A>G on transcript NM_000282.4 (MANE Select); coding-DNA position 542, A replaced by G.
Protein change: p.Lys181Arg; replaces lysine 181 with arginine.
Molecular consequence: missense variant. On other transcripts: 5 prime UTR variant (3), non-coding transcript variant (5).
Genome position (GRCh38, 1-based): chr13:100,209,405, A>G. VCF-style: chr13-100209405-A-G. GRCh37 (hg19) VCF-style: chr13-100861659-A-G.
Other names: c.464A>G, p.Lys155Arg (NM_001127692.3, NM_001352607.2, NM_001352608.2); c.542A>G, p.Lys181Arg (NM_001178004.2, NM_001352605.2, NM_001352606.2 and 1 more transcripts); c.-325A>G (NM_001352610.2, NM_001352611.2, NM_001352612.2); short protein forms K155R, K181R.
Identifiers: ClinVar variation 3615332 (VCV003615332.2).